The following is an entry in ClinVar:

NM_015346.4(ZFYVE26):c.2539G>A (p.Ala847Thr)

Gene: ZFYVE26 (zinc finger FYVE-type containing 26; minus strand). Cytogenetic location: 14q24.1.
Variant type: single nucleotide variant.
Coding change: c.2539G>A on transcript NM_015346.4 (MANE Select); coding-DNA position 2539, G replaced by A.
Protein change: p.Ala847Thr; replaces alanine 847 with threonine.
Molecular consequence: missense variant.
Genome position (GRCh38, 1-based): chr14:67,793,622, C>T on the plus strand (G>A on the coding strand, the complement: ZFYVE26 is on the minus strand). VCF-style: chr14-67793622-C-T. GRCh37 (hg19) VCF-style: chr14-68260339-C-T.
Other names: short protein forms A847T.
Identifiers: ClinVar variation 884220 (VCV000884220.6), dbSNP rs570114196, ClinGen allele CA7240248.

ClinVar aggregate classification (germline): Uncertain significance. Review status: criteria provided, multiple submitters, no conflicts (2 of 4 stars). 3 submissions from 3 submitters: Uncertain significance (3). Last evaluated 2022-04-13.

Conditions:
Hereditary spastic paraplegia 15 (SPG15). Also called: SPASTIC PARAPLEGIA 15, AUTOSOMAL RECESSIVE; KJELLIN SYNDROME; SPASTIC PARAPLEGIA AND RETINAL DEGENERATION. Identifiers: Orphanet 100996, MedGen C1849128, MONDO:0010044, OMIM 270700.

Allele frequency attached by ClinVar (database versions not stated): TOPMed below 0.00001; ExAC 0.00002; gnomAD 0.00002 and 0.00003; gnomAD exomes 0.00002; 1000 Genomes Project 0.00020; 1000 Genomes Project 30x 0.00031.
gnomAD v4.1: 57 of 1,613,528 alleles (0.0035%); highest among the groups gnomAD compares: East Asian, 0.0045%; no homozygotes.

Submissions (3):

GeneDx
Classification: Uncertain significance. Last evaluated: 2022-04-13. Review status: criteria provided, single submitter. Criteria: GeneDx Variant Classification Process June 2021. Collection method: clinical testing. Allele origin: germline. Affected: yes.
Comment: Not observed at significant frequency in large population cohorts (gnomAD); In silico analysis supports that this missense variant does not alter protein structure/function; Has not been previously published as pathogenic or benign to our knowledge

Victorian Clinical Genetics Services, Murdoch Childrens Research Institute
Classification: Uncertain significance for Hereditary spastic paraplegia 15. Last evaluated: 2019-08-28. Review status: criteria provided, single submitter. Criteria: ACMG Guidelines, 2015. Collection method: clinical testing. Allele origin: germline. Inheritance: Autosomal recessive inheritance. Affected: yes.
Comment: A heterozygous missense variant was identified, NM_015346.3(ZFYVE26):c.2539G>A in exon 14 of 42 of the ZFYVE26 gene. This substitution is predicted to create a minor amino acid change from alanine to threonine at position 847 of the protein, NP_056161.2(ZFYVE26):p.(Ala847Thr). The alanine at this position has low conservation (100 vertebrates, UCSC), and is not situated in a known functional domain (PDB, NCBI). In silico software predicts this variant to be benign (PolyPhen, SIFT, CADD, MutationTaster). The variant is present in the gnomAD population database at a frequency of 0.0025% (7 heterozygotes; 0 homozygotes). The variant has not previously been reported in clinical cases. Based on information available at the time of curation, this variant has been classified as a VARIANT of UNCERTAIN SIGNIFICANCE (VUS) with LOW CLINICAL RELEVANCE.

Illumina Laboratory Services, Illumina
Classification: Uncertain significance for Hereditary spastic paraplegia 15. Last evaluated: 2018-01-12. Review status: criteria provided, single submitter. Criteria: ICSL Variant Classification Criteria 13 December 2019. Collection method: clinical testing. Allele origin: germline.